The following is an entry in ClinVar:

NM_020338.4(ZMIZ1):c.1870T>G (p.Trp624Gly)

Gene: ZMIZ1 (zinc finger MIZ-type containing 1; plus strand). Cytogenetic location: 10q22.3.
Variant type: single nucleotide variant.
Coding change: c.1870T>G on transcript NM_020338.4 (MANE Select); coding-DNA position 1870, T replaced by G.
Protein change: p.Trp624Gly; replaces tryptophan 624 with glycine.
Molecular consequence: missense variant.
Genome position (GRCh38, 1-based): chr10:79,300,793, T>G. VCF-style: chr10-79300793-T-G. GRCh37 (hg19) VCF-style: chr10-81060550-T-G.
Other names: short protein forms W624G.
Identifiers: ClinVar variation 3600973 (VCV003600973.2).

ClinVar aggregate classification (germline): Uncertain significance (1 of 4 stars; one submission).

Submission:

GeneDx
Classification: Uncertain significance. Last evaluated: 2026-09-28. Review status: criteria provided, single submitter. Criteria: GeneDx Variant Classification Process June 2021. Collection method: clinical testing. Allele origin: germline.
Comment: Not observed at significant frequency in large population cohorts (gnomAD); In silico analysis supports that this missense variant has a deleterious effect on protein structure/function; Has not been previously published as pathogenic or benign to our knowledge